The following is an entry in ClinVar:

ClinVar aggregate classification (germline): Uncertain significance (1 of 4 stars; one submission).

Conditions:
STIM1-related disorder. Also called: STIM1-related condition.

Submission:

PreventionGenetics, part of Exact Sciences
Classification: Uncertain significance for STIM1-related condition. Last evaluated: 2025-07-02. Review status: criteria provided, single submitter. Criteria: ACMG Guidelines, 2015. Collection method: clinical testing. Allele origin: germline.
Comment: The STIM1 c.1727C>G variant is predicted to result in the amino acid substitution p.Thr576Ser. To our knowledge, this variant has not been reported in the literature or in a large population database (gnomAD), indicating this variant is rare. At this time, the clinical significance of this variant is uncertain due to the absence of conclusive functional and genetic evidence.

NM_001382567.1(STIM1):c.1634+186C>G

Gene: STIM1 (stromal interaction molecule 1; plus strand). Cytogenetic location: 11p15.4.
Variant type: single nucleotide variant.
Coding change: c.1634+186C>G on transcript NM_001382567.1 (MANE Select); 186 bases into the intron after coding-DNA position 1634, C replaced by G.
Molecular consequence: intron variant. On other transcripts: missense variant (2).
Genome position (GRCh38, 1-based): chr11:4,086,729, C>G. VCF-style: chr11-4086729-C-G. GRCh37 (hg19) VCF-style: chr11-4107959-C-G.
Other names: c.1727C>G, p.Thr576Ser (NM_001277961.3); c.1505C>G, p.Thr502Ser (NM_001382566.1); c.1319+186C>G (NM_001382578.1, NM_001382575.1, NM_001382576.1 and 2 more transcripts); c.1052+186C>G (NM_001382580.1, NM_001382581.1); c.1562+186C>G (NM_001382568.1); c.1541+186C>G (NM_001277962.2, NM_003156.4); c.1313+186C>G (NM_001382570.1); c.1406+186C>G (NM_001382569.1); and 1 more; short protein forms T502S, T576S.
Identifiers: ClinVar variation 5000097 (VCV005000097.1).